The following is an entry in ClinVar:

ClinVar aggregate classification (germline): Uncertain significance (1 of 4 stars; one submission).

Conditions:
Generalized epilepsy-paroxysmal dyskinesia syndrome (PNKD3). Also called: Generalized epilepsy and paroxysmal dyskinesia; Paroxysmal nonkinesigenic dyskinesia, 3, with or without generalized epilepsy. Identifiers: Orphanet 79137, MedGen C5574945, MONDO:0012276, OMIM 609446.

Allele frequency attached by ClinVar (database versions not stated): TOPMed below 0.00001.

Submission:

Labcorp Genetics (formerly Invitae), Labcorp
Classification: Uncertain significance for Generalized epilepsy-paroxysmal dyskinesia syndrome. Last evaluated: 2023-08-04. Review status: criteria provided, single submitter. Criteria: Invitae Variant Classification Sherloc (09022015). Collection method: clinical testing. Allele origin: germline.
Comment: In summary, the available evidence is currently insufficient to determine the role of this variant in disease. Therefore, it has been classified as a Variant of Uncertain Significance. An algorithm developed to predict the effect of missense changes on protein structure and function (PolyPhen-2) suggests that this variant is likely to be disruptive. ClinVar contains an entry for this variant (Variation ID: 1006942). This variant has not been reported in the literature in individuals affected with KCNMA1-related conditions. This variant is not present in population databases (gnomAD no frequency). This sequence change replaces threonine, which is neutral and polar, with methionine, which is neutral and non-polar, at codon 992 of the KCNMA1 protein (p.Thr992Met).

NM_001161352.2(KCNMA1):c.3149C>T (p.Thr1050Met)

Genes: KCNMA1 (potassium calcium-activated channel subfamily M alpha 1; minus strand), KCNMA1-AS1 (KCNMA1 antisense RNA 1; plus strand). Cytogenetic location: 10q22.3.
Variant type: single nucleotide variant.
Coding change: c.3149C>T on transcript NM_001161352.2 (MANE Select); coding-DNA position 3149, C replaced by T.
Protein change: p.Thr1050Met; replaces threonine 1050 with methionine.
Molecular consequence: missense variant.
Genome position (GRCh38, 1-based): chr10:76,891,718, G>A on the plus strand (C>T on the coding strand, the complement: KCNMA1 is on the minus strand). VCF-style: chr10-76891718-G-A. GRCh37 (hg19) VCF-style: chr10-78651476-G-A.
Other names: c.2987C>T, p.Thr996Met (NM_001014797.3); c.3098C>T, p.Thr1033Met (NM_001161353.2); c.2825C>T, p.Thr942Met (NM_001271518.2); c.3065C>T, p.Thr1022Met (NM_001271519.2); c.2984C>T, p.Thr995Met (NM_001322829.2, NM_001322836.2); c.3077C>T, p.Thr1026Met (NM_001322830.2); c.2975C>T, p.Thr992Met (NM_001322832.2, NM_002247.4); c.3068C>T, p.Thr1023Met (NM_001322835.2, NM_001322837.2); and 1 more; short protein forms T1022M, T1023M, T1026M, T1033M, T1050M, T841M, T942M, T992M.
Identifiers: ClinVar variation 1006942 (VCV001006942.9), dbSNP rs915080941, ClinGen allele CA210076861.